The following is an entry in ClinVar:

NM_173628.4(DNAH17):c.11418G>A (p.Ser3806=)

Gene: DNAH17 (dynein axonemal heavy chain 17; minus strand). Cytogenetic location: 17q25.3.
Variant type: single nucleotide variant.
Coding change: c.11418G>A on transcript NM_173628.4 (MANE Select); coding-DNA position 11418, G replaced by A.
Protein change: p.Ser3806=; no amino-acid change (serine 3806 retained).
Molecular consequence: synonymous variant.
Genome position (GRCh38, 1-based): chr17:78,444,714, C>T on the plus strand (G>A on the coding strand, the complement: DNAH17 is on the minus strand). VCF-style: chr17-78444714-C-T. GRCh37 (hg19) VCF-style: chr17-76440796-C-T.
Identifiers: ClinVar variation 3042212 (VCV003042212.2), dbSNP rs141987016, ClinGen allele CA8800462.

ClinVar aggregate classification (germline): Likely benign (0 of 4 stars; one submission).

Conditions:
DNAH17-related disorder. Also called: DNAH17-related condition.

Allele frequency attached by ClinVar (database versions not stated): gnomAD exomes 0.00008; ExAC 0.00015; gnomAD 0.00027; TOPMed 0.00030; ESP Exome Variant Server 0.00038; 1000 Genomes Project 0.00060; 1000 Genomes Project 30x 0.00062.
gnomAD v4.1: 159 of 1,607,180 alleles (0.0099%); highest among the groups gnomAD compares: East Asian, 0.1%; no homozygotes.

Submission:

PreventionGenetics, part of Exact Sciences
Classification: Likely benign for DNAH17-related condition. Last evaluated: 2019-05-13. Review status: no assertion criteria provided. Collection method: clinical testing. Allele origin: germline.
Comment: This variant is classified as likely benign based on ACMG/AMP sequence variant interpretation guidelines (Richards et al. 2015 PMID: 25741868, with internal and published modifications).